The following is an entry in ClinVar:

ClinVar aggregate classification (germline): Uncertain significance. Review status: criteria provided, multiple submitters, no conflicts (2 of 4 stars). 4 submissions from 4 submitters: Uncertain significance (4). Last evaluated 2024-07-10.

Conditions:
Cardiomyopathy (CMYO). Also called: Cardiomyopathies. Identifiers: Orphanet 167848, MedGen C0878544, MONDO:0004994, HP:0001638. Inheritance: Various modes of inheritance.
Cardiovascular phenotype. Identifiers: MedGen CN230736.
Catecholaminergic polymorphic ventricular tachycardia (CVPT). Also called: Catecholamine-induced polymorphic ventricular tachycardia. Identifiers: Orphanet 3286, MedGen C5574922, MONDO:0017990.
Catecholaminergic polymorphic ventricular tachycardia 1. Also called: RYR2-Related Catecholaminergic Polymorphic Ventricular Tachycardia; VENTRICULAR TACHYCARDIA, CATECHOLAMINERGIC POLYMORPHIC, 1, WITH OR WITHOUT ATRIAL DYSFUNCTION AND/OR DILATED CARDIOMYOPATHY; VENTRICULAR TACHYCARDIA, STRESS-INDUCED POLYMORPHIC 1. Identifiers: Orphanet 3286, MedGen C1631597, MONDO:0011484, OMIM 604772.

Allele frequency attached by ClinVar (database versions not stated): ExAC below 0.00001; gnomAD below 0.00001 and 0.00001; gnomAD exomes 0.00001; TOPMed 0.00002.
gnomAD v4.1: 16 of 1,613,084 alleles (0.00099%); highest among the groups gnomAD compares: South Asian, 0.0055%; no homozygotes.

Submissions (4):

All of Us Research Program, National Institutes of Health
Classification: Uncertain significance for Catecholaminergic polymorphic ventricular tachycardia. Last evaluated: 2024-07-10. Review status: criteria provided, single submitter. Criteria: ACMG Guidelines, 2015. Collection method: clinical testing. Allele origin: germline. Inheritance: Autosomal dominant inheritance. Observed: 2 variant alleles, 2 heterozygotes.
Comment: This missense variant replaces arginine with tryptophan at codon 485 of the RYR2 protein. Computational prediction suggests that this variant may have deleterious impact on protein structure and function (internally defined REVEL score threshold >= 0.7, PMID: 27666373). To our knowledge, functional studies have not been reported for this variant. This variant has not been reported in individuals affected with RYR2-related disorders in the literature. This variant has not been identified in the general population by the Genome Aggregation Database (gnomAD). The available evidence is insufficient to determine the role of this variant in disease conclusively. Therefore, this variant is classified as a Variant of Uncertain Significance.

This study involves interpretation of variants in research participants for the purpose of population health screening. Participant phenotype was not available at the time of variant classification. Additional details can be found in publication PMID: 35346344, PMCID: PMC8962531

Color Diagnostics, LLC DBA Color Health
Classification: Uncertain significance for Cardiomyopathy. Last evaluated: 2024-05-02. Review status: criteria provided, single submitter. Criteria: ACMG Guidelines, 2015. Collection method: clinical testing. Allele origin: germline.
Comment: This missense variant replaces arginine with tryptophan at codon 485 of the RYR2 protein. Computational prediction suggests that this variant may have deleterious impact on protein structure and function (internally defined REVEL score threshold >= 0.7, PMID: 27666373). To our knowledge, functional studies have not been reported for this variant. This variant has not been reported in individuals affected with RYR2-related disorders in the literature. This variant has not been identified in the general population by the Genome Aggregation Database (gnomAD). The available evidence is insufficient to determine the role of this variant in disease conclusively. Therefore, this variant is classified as a Variant of Uncertain Significance.

Ambry Genetics
Classification: Uncertain significance for Cardiovascular phenotype. Last evaluated: 2021-09-07. Review status: criteria provided, single submitter. Criteria: Ambry Variant Classification Scheme 2023. Collection method: clinical testing. Allele origin: germline.
Comment: The p.R485W variant (also known as c.1453C>T), located in coding exon 15 of the RYR2 gene, results from a C to T substitution at nucleotide position 1453. The arginine at codon 485 is replaced by tryptophan, an amino acid with dissimilar properties. This amino acid position is highly conserved in available vertebrate species. In addition, this alteration is predicted to be deleterious by in silico analysis. Since supporting evidence is limited at this time, the clinical significance of this alteration remains unclear.

Labcorp Genetics (formerly Invitae), Labcorp
Classification: Uncertain significance for Catecholaminergic polymorphic ventricular tachycardia 1. Last evaluated: 2021-08-31. Review status: criteria provided, single submitter. Criteria: Invitae Variant Classification Sherloc (09022015). Collection method: clinical testing. Allele origin: germline.
Comment: This sequence change replaces arginine with tryptophan at codon 485 of the RYR2 protein (p.Arg485Trp). The arginine residue is highly conserved and there is a moderate physicochemical difference between arginine and tryptophan. The frequency data for this variant in the population databases is considered unreliable, as metrics indicate poor data quality at this position in the ExAC database. This variant has not been reported in the literature in individuals affected with RYR2-related conditions. Algorithms developed to predict the effect of missense changes on protein structure and function are either unavailable or do not agree on the potential impact of this missense change (SIFT: "Deleterious"; PolyPhen-2: "Possibly Damaging"; Align-GVGD: "Class C0"). In summary, the available evidence is currently insufficient to determine the role of this variant in disease. Therefore, it has been classified as a Variant of Uncertain Significance.

NM_001035.3(RYR2):c.1453C>T (p.Arg485Trp)

Gene: RYR2 (ryanodine receptor 2; plus strand). Cytogenetic location: 1q43.
Variant type: single nucleotide variant.
Coding change: c.1453C>T on transcript NM_001035.3 (MANE Select); coding-DNA position 1453, C replaced by T.
Protein change: p.Arg485Trp; replaces arginine 485 with tryptophan.
Molecular consequence: missense variant.
Genome position (GRCh38, 1-based): chr1:237,454,551, C>T. VCF-style: chr1-237454551-C-T. GRCh37 (hg19) VCF-style: chr1-237617851-C-T.
Other names: short protein forms R485W.
Identifiers: ClinVar variation 1007042 (VCV001007042.11), dbSNP rs766420655, ClinGen allele CA085671.